The following is an entry in ClinVar:

NM_152383.5(DIS3L2):c.505C>T (p.Gln169Ter)

Gene: DIS3L2 (DIS3 like 3'-5' exoribonuclease 2; plus strand). Cytogenetic location: 2q37.1.
Variant type: single nucleotide variant.
Coding change: c.505C>T on transcript NM_152383.5 (MANE Select); coding-DNA position 505, C replaced by T.
Protein change: p.Gln169Ter; replaces glutamine 169 with a stop codon.
Molecular consequence: nonsense. On other transcripts: non-coding transcript variant (2).
Genome position (GRCh38, 1-based): chr2:232,087,625, C>T. VCF-style: chr2-232087625-C-T. GRCh37 (hg19) VCF-style: chr2-232952335-C-T.
Other names: c.505C>T, p.Gln169Ter (NM_001257281.2, NM_001257282.2); short protein forms Q169*.
Identifiers: ClinVar variation 844242 (VCV000844242.7), dbSNP rs1574864832, ClinGen allele CA351155124.
Genomic context (GRCh38, chr2:232,087,625, plus strand): 5'-CATCTCCCGCAACAGTCCCTGAAAAGCTATAATGACAGTCCTGATGTCATTGTAGAGGCT[C>T]AGTTTGATGGCAGCGACTCAGAAGATGGACATGGCATCACACAAAATGTGCTGGTTGATG-3'

ClinVar aggregate classification (germline): Pathogenic (1 of 4 stars; one submission).

Conditions:
Perlman syndrome (PRLMNS). Identifiers: Orphanet 2849, MedGen C0796113, MONDO:0009965, OMIM 267000.

Allele frequency attached by ClinVar (database versions not stated): gnomAD exomes below 0.00001; TOPMed below 0.00001.
gnomAD v4.1: 5 of 1,614,104 alleles (0.00031%); highest among the groups gnomAD compares: Non-Finnish European, 0.00034%; no homozygotes.

Submission:

Labcorp Genetics (formerly Invitae), Labcorp
Classification: Pathogenic for Perlman syndrome. Last evaluated: 2023-03-08. Review status: criteria provided, single submitter. Criteria: Invitae Variant Classification Sherloc (09022015). Collection method: clinical testing. Allele origin: germline.
Comment: For these reasons, this variant has been classified as Pathogenic. ClinVar contains an entry for this variant (Variation ID: 844242). This variant has not been reported in the literature in individuals affected with DIS3L2-related conditions. This variant is not present in population databases (gnomAD no frequency). This sequence change creates a premature translational stop signal (p.Gln169*) in the DIS3L2 gene. It is expected to result in an absent or disrupted protein product. Loss-of-function variants in DIS3L2 are known to be pathogenic (PMID: 22306653, 28328139).

Literature cited by the submitters: PubMed 22306653; PubMed 28328139.